The following is an entry in ClinVar:

ClinVar aggregate classification (germline): Likely benign. Review status: criteria provided, single submitter (1 of 4 stars). 2 submissions from 2 submitters: Likely benign (1). 1 of the submissions does not count toward it. Last evaluated 2025-12-27.

Conditions:
OGT-related disorder. Also called: OGT-related condition.

Allele frequency attached by ClinVar (database versions not stated): gnomAD exomes 0.00074; TOPMed 0.00091; gnomAD 0.00093; ESP Exome Variant Server 0.00123; ExAC 0.00168.
gnomAD v4.1: 980 of 1,183,279 alleles (0.083%); highest among the groups gnomAD compares: Admixed American, 0.024%; 11 homozygotes.

Submissions (12):

Labcorp Genetics (formerly Invitae), Labcorp
Classification: Likely benign. Last evaluated: 2025-12-27. Review status: criteria provided, single submitter. Criteria: Invitae Variant Classification Sherloc (09022015). Collection method: clinical testing. Allele origin: germline.

PreventionGenetics, part of Exact Sciences
Classification: Benign for OGT-related condition. Last evaluated: 2019-03-07. Review status: no assertion criteria provided. Collection method: clinical testing. Allele origin: germline. Not counted in ClinVar's aggregate classification.
Comment: This variant is classified as benign based on ACMG/AMP sequence variant interpretation guidelines (Richards et al. 2015 PMID: 25741868, with internal and published modifications).

Dr. Peter K. Rogan Lab, Western University
No classification provided (evidence only). Condition: Clear cell carcinoma of kidney. Review status: no classification provided. Collection method: in vitro. Allele origin: not applicable. Functional consequence: retained intron. Not counted in ClinVar's aggregate classification.

Dr. Peter K. Rogan Lab, Western University
No classification provided (evidence only). Condition: Lung cancer. Review status: no classification provided. Collection method: in vitro. Allele origin: not applicable. Functional consequence: retained intron. Not counted in ClinVar's aggregate classification.

Dr. Peter K. Rogan Lab, Western University
No classification provided (evidence only). Condition: Lung cancer. Review status: no classification provided. Collection method: in vitro. Allele origin: not applicable. Functional consequence: retained intron. Not counted in ClinVar's aggregate classification.

Dr. Peter K. Rogan Lab, Western University
No classification provided (evidence only). Condition: Lung cancer. Review status: no classification provided. Collection method: in vitro. Allele origin: not applicable. Functional consequence: retained intron. Not counted in ClinVar's aggregate classification.

Dr. Peter K. Rogan Lab, Western University
No classification provided (evidence only). Condition: Colon adenocarcinoma. Review status: no classification provided. Collection method: in vitro. Allele origin: not applicable. Functional consequence: retained intron. Not counted in ClinVar's aggregate classification.

Dr. Peter K. Rogan Lab, Western University
No classification provided (evidence only). Condition: Colorectal cancer. Review status: no classification provided. Collection method: in vitro. Allele origin: not applicable. Functional consequence: retained intron. Not counted in ClinVar's aggregate classification.

Dr. Peter K. Rogan Lab, Western University
No classification provided (evidence only). Condition: Thyroid cancer, nonmedullary, 1. Review status: no classification provided. Collection method: in vitro. Allele origin: not applicable. Functional consequence: retained intron. Not counted in ClinVar's aggregate classification.

Dr. Peter K. Rogan Lab, Western University
No classification provided (evidence only). Condition: Thyroid cancer, nonmedullary, 1. Review status: no classification provided. Collection method: in vitro. Allele origin: not applicable. Functional consequence: retained intron. Not counted in ClinVar's aggregate classification.

Dr. Peter K. Rogan Lab, Western University
No classification provided (evidence only). Condition: Cervical cancer. Review status: no classification provided. Collection method: in vitro. Allele origin: not applicable. Functional consequence: retained intron. Not counted in ClinVar's aggregate classification.

Dr. Peter K. Rogan Lab, Western University
No classification provided (evidence only). Condition: Ovarian serous cystadenocarcinoma. Review status: no classification provided. Collection method: in vitro. Allele origin: not applicable. Functional consequence: retained intron. Not counted in ClinVar's aggregate classification.

NM_181672.3(OGT):c.2841A>G (p.Pro947=)

Gene: OGT (O-linked N-acetylglucosamine (GlcNAc) transferase; plus strand). Cytogenetic location: Xq13.1.
Variant type: single nucleotide variant.
Coding change: c.2841A>G on transcript NM_181672.3 (MANE Select); coding-DNA position 2841, A replaced by G.
Protein change: p.Pro947=; no amino-acid change (proline 947 retained).
Molecular consequence: synonymous variant.
Genome position (GRCh38, 1-based): chrX:71,567,751, A>G. VCF-style: chrX-71567751-A-G. GRCh37 (hg19) VCF-style: chrX-70787601-A-G.
Other names: c.2811A>G, p.Pro937= (NM_181673.3); c.2841A>G (NM_181672.2).
Identifiers: ClinVar variation 2059816 (VCV002059816.7), dbSNP rs142352068, ClinGen allele CA10447823.